The following is an entry in ClinVar:

ClinVar aggregate classification (germline): Uncertain significance (1 of 4 stars; one submission).

Conditions:
PROK2-related disorder. Also called: PROK2-related condition.

Submission:

PreventionGenetics, part of Exact Sciences
Classification: Uncertain significance for PROK2-related condition. Last evaluated: 2026-08-28. Review status: criteria provided, single submitter. Criteria: ACMG Guidelines, 2015. Collection method: clinical testing. Allele origin: germline.
Comment: The PROK2 c.78C>G variant is predicted to result in the amino acid substitution p.Asp26Glu. To our knowledge, this variant has not been reported in the literature or in a large population database (gnomAD), indicating this variant is rare. At this time, the clinical significance of this variant is uncertain due to the absence of conclusive functional and genetic evidence.

NM_001126128.2(PROK2):c.78C>G (p.Asp26Glu)

Gene: PROK2 (prokineticin 2; minus strand). Cytogenetic location: 3p13.
Variant type: single nucleotide variant.
Coding change: c.78C>G on transcript NM_001126128.2 (MANE Select); coding-DNA position 78, C replaced by G.
Protein change: p.Asp26Glu; replaces aspartic acid 26 with glutamic acid.
Molecular consequence: missense variant.
Genome position (GRCh38, 1-based): chr3:71,784,975, G>C on the plus strand (C>G on the coding strand, the complement: PROK2 is on the minus strand). VCF-style: chr3-71784975-G-C. GRCh37 (hg19) VCF-style: chr3-71834126-G-C.
Other names: c.78C>G, p.Asp26Glu (NM_021935.4); short protein forms D26E.
Identifiers: ClinVar variation 4992520 (VCV004992520.1).
Genomic context (GRCh38, chr3:71,784,975, plus strand): 5'-AGGCGCGCATCAGGGGCAGACAGGTGCGCCCGGGCCGCTTACCCCGGTGATCACGGCGGC[G>C]TCCCCAGCGCGGGGCGTGAGCAGCAGCGGCGGCAGCAGCAAGAGGAGCAGGAGTGGGGCG-3'
Protein context (NP_001119600.1, residues 16-36): PPLLLTPRAG[Asp26Glu]AAVITGACDK